The following is an entry in ClinVar:

ClinVar aggregate classification (germline): Uncertain significance (1 of 4 stars; one submission).

Conditions:
X-linked immunodeficiency with magnesium defect, Epstein-Barr virus infection and neoplasia. Identifiers: Orphanet 317476, MedGen C3275445, MONDO:0010455, OMIM 300853.

Submission:

Labcorp Genetics (formerly Invitae), Labcorp
Classification: Uncertain significance for X-linked immunodeficiency with magnesium defect, Epstein-Barr virus infection and neoplasia. Last evaluated: 2025-01-07. Review status: criteria provided, single submitter. Criteria: Invitae Variant Classification Sherloc (09022015). Collection method: clinical testing. Allele origin: germline.
Comment: This sequence change replaces glycine, which is neutral and non-polar, with valine, which is neutral and non-polar, at codon 30 of the MAGT1 protein (p.Gly30Val). This variant is not present in population databases (gnomAD no frequency). This variant has not been reported in the literature in individuals affected with MAGT1-related conditions. An algorithm developed to predict the effect of missense changes on protein structure and function (PolyPhen-2) suggests that this variant is likely to be tolerated. In summary, the available evidence is currently insufficient to determine the role of this variant in disease. Therefore, it has been classified as a Variant of Uncertain Significance.

NM_001367916.1(MAGT1):c.-8G>T

Genes: MAGT1 (magnesium transporter 1; minus strand), LOC130068460 (ATAC-STARR-seq lymphoblastoid active region 29781; plus strand). Cytogenetic location: Xq21.1.
Variant type: single nucleotide variant.
Coding change: c.-8G>T on transcript NM_001367916.1 (MANE Select); 8 bases upstream of the start codon, G replaced by T.
Molecular consequence: 5 prime UTR variant. On other transcripts: missense variant (1).
Genome position (GRCh38, 1-based): chrX:77,895,418, C>A on the plus strand (G>T on the coding strand, the complement: MAGT1 is on the minus strand). VCF-style: chrX-77895418-C-A. GRCh37 (hg19) VCF-style: chrX-77150915-C-A.
Other names: c.89G>T, p.Gly30Val (NM_032121.5); short protein forms G30V.
Identifiers: ClinVar variation 3728654 (VCV003728654.2).